The following is an entry in ClinVar:

ClinVar aggregate classification (germline): Uncertain significance (1 of 4 stars; one submission).

Conditions:
Neurofibromatosis, type 1 (NF1). Also called: VON RECKLINGHAUSEN DISEASE; NEUROFIBROMATOSIS, TYPE I, SOMATIC; Peripheral type neurofibromatosis; Neurofibromatosis, type I. Identifiers: Orphanet 636, MedGen C0027831, MONDO:0018975, OMIM 162200. Disease mechanism: loss of function.

Submission:

Labcorp Genetics (formerly Invitae), Labcorp
Classification: Uncertain significance for Neurofibromatosis, type 1. Last evaluated: 2025-05-05. Review status: criteria provided, single submitter. Criteria: Invitae Variant Classification Sherloc (09022015). Collection method: clinical testing. Allele origin: germline.
Comment: This sequence change replaces methionine, which is neutral and non-polar, with leucine, which is neutral and non-polar, at codon 1285 of the NF1 protein (p.Met1285Leu). This variant is not present in population databases (gnomAD no frequency). This variant has not been reported in the literature in individuals affected with NF1-related conditions. ClinVar contains an entry for this variant (Variation ID: 1497241). Invitae Evidence Modeling of protein sequence and biophysical properties (such as structural, functional, and spatial information, amino acid conservation, physicochemical variation, residue mobility, and thermodynamic stability) has been performed for this missense variant. However, the output from this modeling did not meet the statistical confidence thresholds required to predict the impact of this variant on NF1 protein function. In summary, the available evidence is currently insufficient to determine the role of this variant in disease. Therefore, it has been classified as a Variant of Uncertain Significance.

NM_001042492.3(NF1):c.3853A>T (p.Met1285Leu)

Gene: NF1 (neurofibromin 1; plus strand). Cytogenetic location: 17q11.2.
Variant type: single nucleotide variant.
Coding change: c.3853A>T on transcript NM_001042492.3 (MANE Select); coding-DNA position 3853, A replaced by T.
Protein change: p.Met1285Leu; replaces methionine 1285 with leucine.
Molecular consequence: missense variant.
Genome position (GRCh38, 1-based): chr17:31,235,755, A>T. VCF-style: chr17-31235755-A-T. GRCh37 (hg19) VCF-style: chr17-29562773-A-T.
Other names: c.3853A>T, p.Met1285Leu (NM_000267.4); short protein forms M1285L.
Identifiers: ClinVar variation 1497241 (VCV001497241.8), dbSNP rs2151438030, ClinGen allele CA398992860.